The following is an entry in ClinVar:

NM_001165967.2(HES7):c.55C>G (p.Leu19Val)

Gene: HES7 (hes family bHLH transcription factor 7; minus strand). Cytogenetic location: 17p13.1.
Variant type: single nucleotide variant.
Coding change: c.55C>G on transcript NM_001165967.2 (MANE Select); coding-DNA position 55, C replaced by G.
Protein change: p.Leu19Val; replaces leucine 19 with valine.
Molecular consequence: missense variant.
Genome position (GRCh38, 1-based): chr17:8,123,114, G>C on the plus strand (C>G on the coding strand, the complement: HES7 is on the minus strand). VCF-style: chr17-8123114-G-C. GRCh37 (hg19) VCF-style: chr17-8026432-G-C.
Other names: c.55C>G, p.Leu19Val (NM_032580.4); c.55C>G (NM_032580.3); short protein forms L19V.
Identifiers: ClinVar variation 1719590 (VCV001719590.6), dbSNP rs1403741531, ClinGen allele CA397991081.
Genomic context (GRCh38, chr17:8,123,114, plus strand): 5'-GCAGCAGCCTCAGCTCTTCCAGGCTGCGGTTGATGCGGTCCCGGCGCCGCTTCTCCACAA[G>C]CGGCTTGAGCATCTGCGACCAGCGAGAAAAGGAGAGCGGGCCGACCAGACCGAGACTCAG-3'
Protein context (NP_001159439.1, residues 9-29): NRDGPKMLKP[Leu19Val]VEKRRRDRIN

ClinVar aggregate classification (germline): Uncertain significance. Review status: criteria provided, multiple submitters, no conflicts (2 of 4 stars). 2 submissions from 2 submitters: Uncertain significance (2). Last evaluated 2025-12-22.

Conditions:
Inborn genetic diseases. Identifiers: MedGen C0950123, MeSH D030342.

Submissions (2):

Ambry Genetics
Classification: Uncertain significance for Inborn genetic diseases. Last evaluated: 2025-12-22. Review status: criteria provided, single submitter. Criteria: Ambry Variant Classification Scheme 2023. Collection method: clinical testing. Allele origin: germline.

Labcorp Genetics (formerly Invitae), Labcorp
Classification: Uncertain significance. Last evaluated: 2022-07-19. Review status: criteria provided, single submitter. Criteria: Invitae Variant Classification Sherloc (09022015). Collection method: clinical testing. Allele origin: germline.
Comment: In summary, the available evidence is currently insufficient to determine the role of this variant in disease. Therefore, it has been classified as a Variant of Uncertain Significance. This sequence change replaces leucine, which is neutral and non-polar, with valine, which is neutral and non-polar, at codon 19 of the HES7 protein (p.Leu19Val). Algorithms developed to predict the effect of missense changes on protein structure and function (SIFT, PolyPhen-2, Align-GVGD) all suggest that this variant is likely to be tolerated. This variant has not been reported in the literature in individuals affected with HES7-related conditions. This variant is not present in population databases (gnomAD no frequency).